The following is an entry in ClinVar:

NM_000342.4(SLC4A1):c.2006T>C (p.Leu669Pro)

Gene: SLC4A1 (solute carrier family 4 member 1 (Diego blood group); minus strand). Cytogenetic location: 17q21.31.
Variant type: single nucleotide variant.
Coding change: c.2006T>C on transcript NM_000342.4 (MANE Select); coding-DNA position 2006, T replaced by C.
Protein change: p.Leu669Pro; replaces leucine 669 with proline.
Molecular consequence: missense variant.
Genome position (GRCh38, 1-based): chr17:44,254,547, A>G on the plus strand (T>C on the coding strand, the complement: SLC4A1 is on the minus strand). VCF-style: chr17-44254547-A-G. GRCh37 (hg19) VCF-style: chr17-42331915-A-G.
Other names: short protein forms L669P.
Identifiers: ClinVar variation 4764162 (VCV004764162.1).

ClinVar aggregate classification (germline): Uncertain significance (1 of 4 stars; one submission).

gnomAD v4.1: 1 of 1,595,862 alleles (0.000063%); no homozygotes.

Submission:

Labcorp Genetics (formerly Invitae), Labcorp
Classification: Uncertain significance. Last evaluated: 2025-11-08. Review status: criteria provided, single submitter. Criteria: Invitae Variant Classification Sherloc (09022015). Collection method: clinical testing. Allele origin: germline.
Comment: This sequence change replaces leucine, which is neutral and non-polar, with proline, which is neutral and non-polar, at codon 669 of the SLC4A1 protein (p.Leu669Pro). This variant is not present in population databases (gnomAD no frequency). This variant has not been reported in the literature in individuals affected with SLC4A1-related conditions. Invitae Evidence Modeling of protein sequence and biophysical properties (such as structural, functional, and spatial information, amino acid conservation, physicochemical variation, residue mobility, and thermodynamic stability) indicates that this missense variant is not expected to disrupt SLC4A1 protein function with a negative predictive value of 80%. In summary, the available evidence is currently insufficient to determine the role of this variant in disease. Therefore, it has been classified as a Variant of Uncertain Significance.